The following is an entry in ClinVar:

ClinVar aggregate classification (germline): Uncertain significance (1 of 4 stars; one submission).

Submission:

Labcorp Genetics (formerly Invitae), Labcorp
Classification: Uncertain significance. Last evaluated: 2024-03-07. Review status: criteria provided, single submitter. Criteria: Invitae Variant Classification Sherloc (09022015). Collection method: clinical testing. Allele origin: germline.
Comment: This sequence change replaces glycine, which is neutral and non-polar, with cysteine, which is neutral and slightly polar, at codon 222 of the LZTR1 protein (p.Gly222Cys). This variant is not present in population databases (gnomAD no frequency). This variant has not been reported in the literature in individuals affected with LZTR1-related conditions. Advanced modeling of protein sequence and biophysical properties (such as structural, functional, and spatial information, amino acid conservation, physicochemical variation, residue mobility, and thermodynamic stability) performed at Invitae indicates that this missense variant is not expected to disrupt LZTR1 protein function with a negative predictive value of 80%. In summary, the available evidence is currently insufficient to determine the role of this variant in disease. Therefore, it has been classified as a Variant of Uncertain Significance.

NM_006767.4(LZTR1):c.664G>T (p.Gly222Cys)

Gene: LZTR1 (leucine zipper like post translational regulator 1; plus strand). Cytogenetic location: 22q11.21.
Variant type: single nucleotide variant.
Coding change: c.664G>T on transcript NM_006767.4 (MANE Select); coding-DNA position 664, G replaced by T.
Protein change: p.Gly222Cys; replaces glycine 222 with cysteine.
Molecular consequence: missense variant.
Genome position (GRCh38, 1-based): chr22:20,990,398, G>T. VCF-style: chr22-20990398-G-T. GRCh37 (hg19) VCF-style: chr22-21344687-G-T.
Other names: short protein forms G222C.
Identifiers: ClinVar variation 3644858 (VCV003644858.2).